The following is an entry in ClinVar:

NM_031439.4(SOX7):c.802_828del (p.Val268_Gly276del)

Gene: SOX7 (SRY-box transcription factor 7). Cytogenetic location: 8p23.1.
Variant type: Deletion.
Coding change: c.802_828del on transcript NM_031439.4 (MANE Select); coding-DNA positions 802 to 828, 27 bases deleted.
Protein change: p.Val268_Gly276del.
Genome position: GRCh38 VCF-style: chr8-10726076-AGCCGGGTACAGGGGACATCATGGAGAC-A. GRCh37 (hg19) VCF-style: chr8-10583586-AGCCGGGTACAGGGGACATCATGGAGAC-A.
Identifiers: ClinVar variation 3048789 (VCV003048789.2), dbSNP rs535710246, ClinGen allele CA4626464.

ClinVar aggregate classification (germline): Likely benign (0 of 4 stars; one submission).

Conditions:
SOX7-related disorder. Also called: SOX7-related condition.

Submission:

PreventionGenetics, part of Exact Sciences
Classification: Likely benign for SOX7-related condition. Last evaluated: 2022-06-16. Review status: no assertion criteria provided. Collection method: clinical testing. Allele origin: germline.
Comment: This variant is classified as likely benign based on ACMG/AMP sequence variant interpretation guidelines (Richards et al. 2015 PMID: 25741868, with internal and published modifications).